The following is an entry in ClinVar:

NM_004260.4(RECQL4):c.2713C>A (p.Pro905Thr)

Gene: RECQL4 (RecQ like helicase 4; minus strand). Cytogenetic location: 8q24.3.
Variant type: single nucleotide variant.
Coding change: c.2713C>A on transcript NM_004260.4 (MANE Select); coding-DNA position 2713, C replaced by A.
Protein change: p.Pro905Thr; replaces proline 905 with threonine.
Molecular consequence: missense variant.
Genome position (GRCh38, 1-based): chr8:144,512,889, G>T on the plus strand (C>A on the coding strand, the complement: RECQL4 is on the minus strand). VCF-style: chr8-144512889-G-T. GRCh37 (hg19) VCF-style: chr8-145738272-G-T.
Other names: short protein forms P905T.
Identifiers: ClinVar variation 578730 (VCV000578730.7), dbSNP rs778939539, ClinGen allele CA372675048.
Genomic context (GRCh38, chr8:144,512,889, plus strand): 5'-TTACCCCAGGTTCCTCACCCTCCTCCGGCATGTCCAAAGCCTGTACGGTAAGCTGTATTG[G>T]GAGTGCCCGCTCATGGCCCATGCAGACCCTTCTGGGTCCTGGGGCTGCTTGGTGGCTAAG-3'
Protein context (NP_004251.4, residues 895-915): RVCMGHERAL[Pro905Thr]IQLTVQALDM

ClinVar aggregate classification (germline): Uncertain significance (1 of 4 stars; one submission).

Conditions:
Baller-Gerold syndrome (BGS). Also called: CRANIOSYNOSTOSIS WITH RADIAL DEFECTS. Identifiers: Orphanet 1225, MedGen C0265308, MONDO:0009039, OMIM 218600.

Allele frequency attached by ClinVar (database versions not stated): TOPMed below 0.00001; gnomAD 0.00001.
gnomAD v4.1: 17 of 1,594,302 alleles (0.0011%); highest among the groups gnomAD compares: Admixed American, 0.0035%; no homozygotes.

Submission:

Labcorp Genetics (formerly Invitae), Labcorp
Classification: Uncertain significance for Baller-Gerold syndrome. Last evaluated: 2025-09-10. Review status: criteria provided, single submitter. Criteria: Invitae Variant Classification Sherloc (09022015). Collection method: clinical testing. Allele origin: germline.
Comment: This sequence change replaces proline, which is neutral and non-polar, with threonine, which is neutral and polar, at codon 905 of the RECQL4 protein (p.Pro905Thr). The frequency data for this variant in the population databases is considered unreliable, as metrics indicate poor data quality at this position in the gnomAD database. This variant has not been reported in the literature in individuals affected with RECQL4-related conditions. ClinVar contains an entry for this variant (Variation ID: 578730). Invitae Evidence Modeling of protein sequence and biophysical properties (such as structural, functional, and spatial information, amino acid conservation, physicochemical variation, residue mobility, and thermodynamic stability) indicates that this missense variant is expected to disrupt RECQL4 protein function with a positive predictive value of 80%. In summary, the available evidence is currently insufficient to determine the role of this variant in disease. Therefore, it has been classified as a Variant of Uncertain Significance.